The following is an entry in ClinVar:

NM_025114.4(CEP290):c.4156A>G (p.Ile1386Val)

Gene: CEP290 (centrosomal protein 290; minus strand). Cytogenetic location: 12q21.32.
Variant type: single nucleotide variant.
Coding change: c.4156A>G on transcript NM_025114.4 (MANE Select); coding-DNA position 4156, A replaced by G.
Protein change: p.Ile1386Val; replaces isoleucine 1386 with valine.
Molecular consequence: missense variant.
Genome position (GRCh38, 1-based): chr12:88,087,818, T>C on the plus strand (A>G on the coding strand, the complement: CEP290 is on the minus strand). VCF-style: chr12-88087818-T-C. GRCh37 (hg19) VCF-style: chr12-88481595-T-C.
Other names: c.4156A>G (NM_025114.3); short protein forms I1386V.
Identifiers: ClinVar variation 994031 (VCV000994031.12), dbSNP rs1427374639, ClinGen allele CA385999026.
Genomic context (GRCh38, chr12:88,087,818, plus strand): 5'-TGAAATAAATATAAAATAAAACCTTGTTCTGTTGCACAATTTCTTCTTCAAGACTGCTGA[T>C]TGTACGTTCATATTCAGAAATTATGTTATTCAAATATTTTATTTCTTCTTTATCCTTGAC-3'
Protein context (NP_079390.3, residues 1376-1396): NNIISEYERT[Ile1386Val]SSLEEEIVQQ

ClinVar aggregate classification (germline): Uncertain significance. Review status: criteria provided, multiple submitters, no conflicts (2 of 4 stars). 4 submissions from 4 submitters: Uncertain significance (3). 1 of the submissions does not count toward it. Last evaluated 2022-01-01.

Conditions:
Joubert syndrome. Also called: Familial aplasia of the vermis; CEREBELLOPARENCHYMAL DISORDER IV; JOUBERT-BOLTSHAUSER SYNDROME. Identifiers: Orphanet 475, MedGen C5979921, MONDO:0018772.
Meckel-Gruber syndrome. Also called: Dysencephalia splachnocystica; DYSENCEPHALIA SPLANCHNOCYSTICA; GRUBER SYNDROME. Identifiers: Orphanet 564, MedGen C0265215, MONDO:0018921.
Nephronophthisis. Also called: Juvenile Nephronophthisis. Identifiers: Orphanet 655, MedGen C0687120, MONDO:0019005, HP:0000090.
Inborn genetic diseases. Identifiers: MedGen C0950123, MeSH D030342.
Leber congenital amaurosis (LCA). Also called: Leber's amaurosis. Identifiers: Orphanet 65, MedGen C0339527, MeSH D057130, MONDO:0018998.

Allele frequency attached by ClinVar (database versions not stated): gnomAD exomes below 0.00001 and 0.00002.
gnomAD v4.1: 4 of 1,291,342 alleles (0.00031%); highest among the groups gnomAD compares: Non-Finnish European, 0.0004%; no homozygotes.

Submissions (4):

Labcorp Genetics (formerly Invitae), Labcorp
Classification: Uncertain significance for Joubert syndrome; Meckel-Gruber syndrome; Nephronophthisis. Last evaluated: 2022-01-01. Review status: criteria provided, single submitter. Criteria: Invitae Variant Classification Sherloc (09022015). Collection method: clinical testing. Allele origin: germline.
Comment: This sequence change replaces isoleucine, which is neutral and non-polar, with valine, which is neutral and non-polar, at codon 1386 of the CEP290 protein (p.Ile1386Val). This variant is present in population databases (no rsID available, gnomAD 0.003%). This variant has not been reported in the literature in individuals affected with CEP290-related conditions. ClinVar contains an entry for this variant (Variation ID: 994031). Algorithms developed to predict the effect of missense changes on protein structure and function (SIFT, PolyPhen-2, Align-GVGD) all suggest that this variant is likely to be disruptive. Algorithms developed to predict the effect of sequence changes on RNA splicing suggest that this variant may create or strengthen a splice site. In summary, the available evidence is currently insufficient to determine the role of this variant in disease. Therefore, it has been classified as a Variant of Uncertain Significance.

Ambry Genetics
Classification: Uncertain significance for Inborn genetic diseases. Last evaluated: 2021-10-26. Review status: criteria provided, single submitter. Criteria: Ambry Variant Classification Scheme 2023. Collection method: clinical testing. Allele origin: germline.

ARUP Laboratories, Molecular Genetics and Genomics, ARUP Laboratories
Classification: Uncertain significance. Last evaluated: 2019-09-19. Review status: criteria provided, single submitter. Criteria: ARUP Molecular Germline Variant Investigation Process. Collection method: clinical testing. Allele origin: germline.
Comment: The CEP290 c.4156A>G; p.Ile1386Val variant (rs1427374639), to our knowledge, is not reported in the medical literature or gene specific databases. This variant is only observed on one allele in the Genome Aggregation Database, indicating it is not a common polymorphism. The isoleucine at codon 1386 is highly conserved, and computational analyses (SIFT, PolyPhen-2) predict that this variant is deleterious. Due to limited information, the clinical significance of this variant cannot be determined with certainty.

Natera, Inc.
Classification: Uncertain significance for Leber congenital amaurosis. Last evaluated: 2021-07-20. Review status: no assertion criteria provided. Collection method: clinical testing. Allele origin: germline. Not counted in ClinVar's aggregate classification.